The following is an entry in ClinVar:

ClinVar aggregate classification (germline): Uncertain significance (1 of 4 stars; one submission).

Allele frequency attached by ClinVar (database versions not stated): gnomAD exomes below 0.00001; TOPMed below 0.00001.
gnomAD v4.1: 5 of 1,613,902 alleles (0.00031%); highest among the groups gnomAD compares: Non-Finnish European, 0.00042%; no homozygotes.

Submission:

Labcorp Genetics (formerly Invitae), Labcorp
Classification: Uncertain significance. Last evaluated: 2024-03-26. Review status: criteria provided, single submitter. Criteria: Invitae Variant Classification Sherloc (09022015). Collection method: clinical testing. Allele origin: germline.
Comment: This sequence change replaces arginine, which is basic and polar, with glutamine, which is neutral and polar, at codon 834 of the C3 protein (p.Arg834Gln). This variant is not present in population databases (gnomAD no frequency). This variant has not been reported in the literature in individuals affected with C3-related conditions. ClinVar contains an entry for this variant (Variation ID: 1946352). Advanced modeling of protein sequence and biophysical properties (such as structural, functional, and spatial information, amino acid conservation, physicochemical variation, residue mobility, and thermodynamic stability) performed at Invitae indicates that this missense variant is not expected to disrupt C3 protein function with a negative predictive value of 80%. In summary, the available evidence is currently insufficient to determine the role of this variant in disease. Therefore, it has been classified as a Variant of Uncertain Significance.

NM_000064.4(C3):c.2501G>A (p.Arg834Gln)

Gene: C3 (complement C3; minus strand). Cytogenetic location: 19p13.3.
Variant type: single nucleotide variant.
Coding change: c.2501G>A on transcript NM_000064.4 (MANE Select); coding-DNA position 2501, G replaced by A.
Protein change: p.Arg834Gln; replaces arginine 834 with glutamine.
Molecular consequence: missense variant.
Genome position (GRCh38, 1-based): chr19:6,697,734, C>T on the plus strand (G>A on the coding strand, the complement: C3 is on the minus strand). VCF-style: chr19-6697734-C-T. GRCh37 (hg19) VCF-style: chr19-6697745-C-T.
Other names: short protein forms R834Q.
Identifiers: ClinVar variation 1946352 (VCV001946352.5), dbSNP rs1967570872, ClinGen allele CA403633996.